The following is an entry in ClinVar:

ClinVar aggregate classification (germline): Likely benign. Review status: criteria provided, multiple submitters, no conflicts (2 of 4 stars). 2 submissions from 2 submitters: Likely benign (2). Last evaluated 2018-06-14.

Allele frequency attached by ClinVar (database versions not stated): gnomAD 0.00773 and 0.00930; 1000 Genomes Project 30x 0.04044; 1000 Genomes Project 0.04273.

Submissions (2):

GeneDx
Classification: Likely benign. Last evaluated: 2018-06-14. Review status: criteria provided, single submitter. Criteria: GeneDx Variant Classification (06012015). Collection method: clinical testing. Allele origin: germline. Affected: yes.
Comment: This variant is considered likely benign or benign based on one or more of the following criteria: it is a conservative change, it occurs at a poorly conserved position in the protein, it is predicted to be benign by multiple in silico algorithms, and/or has population frequency not consistent with disease.

Breakthrough Genomics
Classification: Likely benign. Review status: criteria provided, single submitter. Criteria: ACMG Guidelines, 2015. Collection method: not provided. Allele origin: germline. Inheritance: Autosomal recessive inheritance. Affected: yes.

NM_000219.6(KCNE1):c.-50-59T>C

Gene: KCNE1 (potassium voltage-gated channel subfamily E regulatory subunit 1; minus strand). Cytogenetic location: 21q22.12.
Variant type: single nucleotide variant.
Coding change: c.-50-59T>C on transcript NM_000219.6 (MANE Select); 59 bases into the intron before 50 bases upstream of the start codon, T replaced by C.
Molecular consequence: intron variant.
Genome position (GRCh38, 1-based): chr21:34,449,743, A>G on the plus strand (T>C on the coding strand, the complement: KCNE1 is on the minus strand). VCF-style: chr21-34449743-A-G. GRCh37 (hg19) VCF-style: chr21-35822041-A-G.
Other names: c.-50-59T>C (NM_001270403.2, NM_001270404.3, NM_001270402.3 and 4 more transcripts).
Identifiers: ClinVar variation 673330 (VCV000673330.2), dbSNP rs2236608, ClinGen allele CA320425669.